The following is an entry in ClinVar:

NM_144670.6(A2ML1):c.2677C>G (p.Arg893Gly)

Gene: A2ML1 (alpha-2-macroglobulin like 1; plus strand). Cytogenetic location: 12p13.31.
Variant type: single nucleotide variant.
Coding change: c.2677C>G on transcript NM_144670.6 (MANE Select); coding-DNA position 2677, C replaced by G.
Protein change: p.Arg893Gly; replaces arginine 893 with glycine.
Molecular consequence: missense variant.
Genome position (GRCh38, 1-based): chr12:8,854,214, C>G. VCF-style: chr12-8854214-C-G. GRCh37 (hg19) VCF-style: chr12-9006810-C-G.
Other names: c.1204C>G, p.Arg402Gly (NM_001282424.3); short protein forms R402G, R893G.
Identifiers: ClinVar variation 3711019 (VCV003711019.2).
Genomic context (GRCh38, chr12:8,854,214, plus strand): 5'-AAGATTCTGGACAGCAATGAACCATGTGGGGGCCAGAAGGGGTTTGTTCCCCAAAAGGGC[C>G]GAAGTGACACGCTCATCAAGCCAGTTCTCGTCAAAGTGAGTTTTCTTCAGAGGTAGAGAC-3'
Protein context (NP_653271.3, residues 883-903): GQKGFVPQKG[Arg893Gly]SDTLIKPVLV

ClinVar aggregate classification (germline): Uncertain significance (1 of 4 stars; one submission).

gnomAD v4.1: 2 of 1,608,412 alleles (0.00012%); highest among the groups gnomAD compares: East Asian, 0.0022%; no homozygotes.

Submission:

Labcorp Genetics (formerly Invitae), Labcorp
Classification: Uncertain significance. Last evaluated: 2024-09-23. Review status: criteria provided, single submitter. Criteria: Invitae Variant Classification Sherloc (09022015). Collection method: clinical testing. Allele origin: germline.
Comment: This sequence change replaces arginine, which is basic and polar, with glycine, which is neutral and non-polar, at codon 893 of the A2ML1 protein (p.Arg893Gly). This variant is present in population databases (no rsID available, gnomAD 0.006%). This variant has not been reported in the literature in individuals affected with A2ML1-related conditions. An algorithm developed to predict the effect of missense changes on protein structure and function outputs the following: PolyPhen-2: "Benign". The glycine amino acid residue is found in multiple mammalian species, which suggests that this missense change does not adversely affect protein function. In summary, the available evidence is currently insufficient to determine the role of this variant in disease. Therefore, it has been classified as a Variant of Uncertain Significance.